The following is an entry in ClinVar:

NM_001211.6(BUB1B):c.1807C>T (p.Pro603Ser)

Gene: BUB1B (BUB1 mitotic checkpoint serine/threonine kinase B; plus strand). Cytogenetic location: 15q15.1.
Variant type: single nucleotide variant.
Coding change: c.1807C>T on transcript NM_001211.6 (MANE Select); coding-DNA position 1807, C replaced by T.
Protein change: p.Pro603Ser; replaces proline 603 with serine.
Molecular consequence: missense variant.
Genome position (GRCh38, 1-based): chr15:40,206,256, C>T. VCF-style: chr15-40206256-C-T. GRCh37 (hg19) VCF-style: chr15-40498457-C-T.
Other names: short protein forms P603S.
Identifiers: ClinVar variation 3221360 (VCV003221360.1), dbSNP rs2542564751, ClinGen allele CA391692433.
Genomic context (GRCh38, chr15:40,206,256, plus strand): 5'-GGAATTGAACCCTTGAGCGAGGATGCCATTATCACAGGCTTCAGAAATGTAACAATTTGT[C>T]CTAACCCAGAAGACACTTGTGACTTTGCCAGAGCAGCTCGTTTTGTATCCACTCCTTTTC-3'
Protein context (NP_001202.5, residues 593-613): ITGFRNVTIC[Pro603Ser]NPEDTCDFAR

ClinVar aggregate classification (germline): Uncertain significance (1 of 4 stars; one submission).

Conditions:
Inborn genetic diseases. Identifiers: MedGen C0950123, MeSH D030342.

Submission:

Ambry Genetics
Classification: Uncertain significance for Inborn genetic diseases. Last evaluated: 2023-11-14. Review status: criteria provided, single submitter. Criteria: Ambry Variant Classification Scheme 2023. Collection method: clinical testing. Allele origin: germline.
Comment: The p.P603S variant (also known as c.1807C>T), located in coding exon 15 of the BUB1B gene, results from a C to T substitution at nucleotide position 1807. The proline at codon 603 is replaced by serine, an amino acid with similar properties. This amino acid position is conserved. In addition, this alteration is predicted to be tolerated by in silico analysis. Since supporting evidence is limited at this time, the clinical significance of this alteration remains unclear.